The following is an entry in ClinVar:

NM_052845.4(MMAB):c.222A>T (p.Glu74Asp)

Gene: MMAB (metabolism of cobalamin associated B; minus strand). Cytogenetic location: 12q24.11.
Variant type: single nucleotide variant.
Coding change: c.222A>T on transcript NM_052845.4 (MANE Select); coding-DNA position 222, A replaced by T.
Protein change: p.Glu74Asp; replaces glutamic acid 74 with aspartic acid.
Molecular consequence: missense variant. On other transcripts: non-coding transcript variant (1).
Genome position (GRCh38, 1-based): chr12:109,568,838, T>A on the plus strand (A>T on the coding strand, the complement: MMAB is on the minus strand). VCF-style: chr12-109568838-T-A. GRCh37 (hg19) VCF-style: chr12-110006643-T-A.
Other names: short protein forms E74D.
Identifiers: ClinVar variation 439902 (VCV000439902.11), dbSNP rs1389815526, ClinGen allele CA386639737.

ClinVar aggregate classification (germline): Uncertain significance. Review status: criteria provided, multiple submitters, no conflicts (2 of 4 stars). 3 submissions from 3 submitters: Uncertain significance (2). 1 of the submissions does not count toward it. Last evaluated 2023-10-06.

Conditions:
Methylmalonic aciduria, cblB type (MACB). Also called: Methylmalonic acidemia cblB type; METHYLMALONIC ACIDURIA, VITAMIN B12-RESPONSIVE, DUE TO DEFECT IN SYNTHESIS OF ADENOSYLCOBALAMIN, cblB TYPE; Vitamin B12-responsive methylmalonic acidemia type cblB. Identifiers: Orphanet 28, Orphanet 79311, MedGen C1855102, MONDO:0009614, OMIM 251110.

Allele frequency attached by ClinVar (database versions not stated): gnomAD exomes below 0.00001; TOPMed 0.00001.

Submissions (3):

ARUP Laboratories, Molecular Genetics and Genomics, ARUP Laboratories
Classification: Uncertain significance for Methylmalonic aciduria, cblB type. Last evaluated: 2023-10-06. Review status: criteria provided, single submitter. Criteria: ARUP Molecular Germline Variant Investigation Process 2024. Collection method: clinical testing. Allele origin: germline.

Labcorp Genetics (formerly Invitae), Labcorp
Classification: Uncertain significance for Methylmalonic aciduria, cblB type. Last evaluated: 2022-04-13. Review status: criteria provided, single submitter. Criteria: Invitae Variant Classification Sherloc (09022015). Collection method: clinical testing. Allele origin: germline.
Comment: This sequence change replaces glutamic acid, which is acidic and polar, with aspartic acid, which is acidic and polar, at codon 74 of the MMAB protein (p.Glu74Asp). This variant is present in population databases (no rsID available, gnomAD 0.0009%). This variant has not been reported in the literature in individuals affected with MMAB-related conditions. ClinVar contains an entry for this variant (Variation ID: 439902). Advanced modeling of protein sequence and biophysical properties (such as structural, functional, and spatial information, amino acid conservation, physicochemical variation, residue mobility, and thermodynamic stability) performed at Invitae indicates that this missense variant is not expected to disrupt MMAB protein function. In summary, the available evidence is currently insufficient to determine the role of this variant in disease. Therefore, it has been classified as a Variant of Uncertain Significance.

Natera, Inc.
Classification: Uncertain significance for Methylmalonic aciduria cblB type. Last evaluated: 2020-03-04. Review status: no assertion criteria provided. Collection method: clinical testing. Allele origin: germline. Not counted in ClinVar's aggregate classification.